The following is an entry in ClinVar:

ClinVar aggregate classification (germline): Likely benign. Review status: criteria provided, multiple submitters, no conflicts (2 of 4 stars). 2 submissions from 2 submitters: Likely benign (2). Last evaluated 2024-10-16.

Conditions:
Lung cancer. Also called: Malignant tumor of lung; Lung cancer, somatic. Identifiers: MedGen C0242379, MONDO:0008903, OMIM 211980.
EGFR-related lung cancer (EGFR). Identifiers: MedGen CN130014.

Allele frequency attached by ClinVar (database versions not stated): TOPMed below 0.00001.

Submissions (2):

Myriad Genetics, Inc.
Classification: Likely benign for Lung cancer. Last evaluated: 2024-10-16. Review status: criteria provided, single submitter. Criteria: Myriad Autosomal Dominant, Autosomal Recessive and X-Linked Classification Criteria (2023). Collection method: clinical testing. Allele origin: unknown.
Comment: This variant is considered likely benign. This variant is intronic and is not expected to impact mRNA splicing.

Labcorp Genetics (formerly Invitae), Labcorp
Classification: Likely benign for EGFR-related lung cancer. Last evaluated: 2023-03-13. Review status: criteria provided, single submitter. Criteria: Invitae Variant Classification Sherloc (09022015). Collection method: clinical testing. Allele origin: germline.

NM_005228.5(EGFR):c.2185-20T>C

Gene: EGFR (epidermal growth factor receptor; plus strand). Cytogenetic location: 7p11.2.
Variant type: single nucleotide variant.
Coding change: c.2185-20T>C on transcript NM_005228.5 (MANE Select); 20 bases into the intron before coding-DNA position 2185, T replaced by C.
Molecular consequence: intron variant.
Genome position (GRCh38, 1-based): chr7:55,174,702, T>C. VCF-style: chr7-55174702-T-C. GRCh37 (hg19) VCF-style: chr7-55242395-T-C.
Other names: c.2050-20T>C (NM_001346899.2, NM_001346897.2); c.1384-20T>C (NM_001346941.2); c.2185-20T>C (NM_001346898.2); c.2026-20T>C (NM_001346900.2).
Identifiers: ClinVar variation 1563156 (VCV001563156.9), dbSNP rs1322918765, ClinGen allele CA839813247.